The following is an entry in ClinVar:

NM_005431.2(XRCC2):c.674C>T (p.Pro225Leu)

Gene: XRCC2 (X-ray repair cross complementing 2; minus strand). Cytogenetic location: 7q36.1.
Variant type: single nucleotide variant.
Coding change: c.674C>T on transcript NM_005431.2 (MANE Select); coding-DNA position 674, C replaced by T.
Protein change: p.Pro225Leu; replaces proline 225 with leucine.
Molecular consequence: missense variant.
Genome position (GRCh38, 1-based): chr7:152,648,811, G>A on the plus strand (C>T on the coding strand, the complement: XRCC2 is on the minus strand). VCF-style: chr7-152648811-G-A. GRCh37 (hg19) VCF-style: chr7-152345896-G-A.
Other names: short protein forms P225L.
Identifiers: ClinVar variation 1999195 (VCV001999195.4), dbSNP rs2485880597, ClinGen allele CA370198195.

ClinVar aggregate classification (germline): Uncertain significance (1 of 4 stars; one submission).

Submission:

Labcorp Genetics (formerly Invitae), Labcorp
Classification: Uncertain significance. Last evaluated: 2022-10-08. Review status: criteria provided, single submitter. Criteria: Invitae Variant Classification Sherloc (09022015). Collection method: clinical testing. Allele origin: germline.
Comment: In summary, the available evidence is currently insufficient to determine the role of this variant in disease. Therefore, it has been classified as a Variant of Uncertain Significance. Advanced modeling of protein sequence and biophysical properties (such as structural, functional, and spatial information, amino acid conservation, physicochemical variation, residue mobility, and thermodynamic stability) performed at Invitae indicates that this missense variant is not expected to disrupt XRCC2 protein function. This variant has not been reported in the literature in individuals affected with XRCC2-related conditions. This variant is not present in population databases (gnomAD no frequency). This sequence change replaces proline, which is neutral and non-polar, with leucine, which is neutral and non-polar, at codon 225 of the XRCC2 protein (p.Pro225Leu).